The following is an entry in ClinVar:

NM_015627.3(LDLRAP1):c.380A>G (p.Lys127Arg)

Gene: LDLRAP1 (low density lipoprotein receptor adaptor protein 1; plus strand). Cytogenetic location: 1p36.11.
Variant type: single nucleotide variant.
Coding change: c.380A>G on transcript NM_015627.3 (MANE Select); coding-DNA position 380, A replaced by G.
Protein change: p.Lys127Arg; replaces lysine 127 with arginine.
Molecular consequence: missense variant.
Genome position (GRCh38, 1-based): chr1:25,557,188, A>G. VCF-style: chr1-25557188-A-G. GRCh37 (hg19) VCF-style: chr1-25883679-A-G.
Other names: short protein forms K127R.
Identifiers: ClinVar variation 3226698 (VCV003226698.3), dbSNP rs753806649, ClinGen allele CA695532.

ClinVar aggregate classification (germline): Conflicting classifications of pathogenicity. Review status: criteria provided, conflicting classifications (1 of 4 stars). 3 submissions from 3 submitters: Uncertain significance (2); Likely benign (1). Last evaluated 2026-07-14.

Conditions:
Familial hypercholesterolemia. Also called: Familial hypercholesterolemias; Familial hypercholesterolaemia. Identifiers: MedGen C0020445, MONDO:0005439.
Cardiovascular phenotype. Identifiers: MedGen CN230736.

Allele frequency attached by ClinVar (database versions not stated): TOPMed below 0.00001; gnomAD 0.00001; gnomAD exomes 0.00004; ExAC 0.00005.
gnomAD v4.1: 58 of 1,613,640 alleles (0.0036%); highest among the groups gnomAD compares: Middle Eastern, 0.066%; 2 homozygotes.

Submissions (3):

Cambridge Genomics Laboratory, East Genomic Laboratory Hub, NHS Genomic Medicine Service
Classification: Uncertain significance for Familial hypercholesterolaemia. Last evaluated: 2026-07-14. Review status: criteria provided, single submitter. Criteria: ACGS Best Practice Guidelines for Variant Classification in Rare Disease 2020. Collection method: clinical testing. Allele origin: germline. Affected: yes.
Comment: PM2,BP4

Women's Health and Genetics/Laboratory Corporation of America, LabCorp
Classification: Uncertain significance. Last evaluated: 2025-11-28. Review status: criteria provided, single submitter. Criteria: LabCorp Variant Classification Summary - May 2015. Collection method: clinical testing. Allele origin: germline.

Ambry Genetics
Classification: Likely benign for Cardiovascular phenotype. Last evaluated: 2023-12-07. Review status: criteria provided, single submitter. Criteria: Ambry Variant Classification Scheme 2023. Collection method: clinical testing. Allele origin: germline.